The following is an entry in ClinVar:

NM_014319.5(LEMD3):c.480dup (p.Asp161fs)

Genes: LEMD3 (LEM domain containing 3; plus strand), LOC130008224 (ATAC-STARR-seq lymphoblastoid silent region 4630; plus strand). Cytogenetic location: 12q14.3.
Variant type: Duplication.
Coding change: c.480dup on transcript NM_014319.5 (MANE Select); coding-DNA position 480, one base duplicated (A; older notation c.480dupA).
Protein change: p.Asp161fs; shifts the reading frame from aspartic acid 161.
Molecular consequence: frameshift variant.
Genome position (GRCh38, 1-based): chr12:65,170,076, A duplicated; the last of 3 consecutive A bases (chr12:65,170,074-65,170,076); duplicating any one gives the same sequence. VCF-style (leftmost placement, unchanged base first): chr12-65170073-G-GA. GRCh37 (hg19) VCF-style: chr12-65563853-G-GA.
Other names: c.480dup, p.Asp161fs (NM_001167614.2); short protein forms D161fs.
Identifiers: ClinVar variation 5005152 (VCV005005152.2).

ClinVar aggregate classification (germline): Likely pathogenic (1 of 4 stars; one submission).

Conditions:
Dermatofibrosis lenticularis disseminata (BOS). Also called: OSTEOPATHIA CONDENSANS DISSEMINATA; DERMATOFIBROSIS LENTICULARIS DISSEMINATA WITH OSTEOPOIKILOSIS; DERMATOOSTEOPOIKILOSIS. Identifiers: Orphanet 1306, MedGen C0265514, MONDO:0008157, OMIM 166700.

Submission:

Juno Genomics, Hangzhou Juno Genomics, Inc
Classification: Likely pathogenic for Dermatofibrosis lenticularis disseminata. Review status: criteria provided, single submitter. Criteria: ACMG Guidelines, 2015. Collection method: clinical testing. Allele origin: germline.
Comment: Null variant in a gene where loss of function (LOF) is a known mechanism of disease.;Absent from controls (or at extremely low frequency if recessive) in Genome Aggregation Database.